The following is an entry in ClinVar:

ClinVar aggregate classification (germline): Uncertain significance (1 of 4 stars; one submission).

Submission:

Labcorp Genetics (formerly Invitae), Labcorp
Classification: Uncertain significance. Last evaluated: 2023-06-29. Review status: criteria provided, single submitter. Criteria: Invitae Variant Classification Sherloc (09022015). Collection method: clinical testing. Allele origin: unknown.
Comment: In summary, the available evidence is currently insufficient to determine the role of this variant in disease. Therefore, it has been classified as a Variant of Uncertain Significance. This variant has not been reported in the literature in individuals affected with NEFH-related conditions. This variant is a gross deletion of the genomic region encompassing exon(s) 3-4 of the NEFH gene, which includes the termination codon. This deletion extends beyond the assayed region for this gene and therefore may encompass additional genes. While this deletion is not anticipated to lead to nonsense mediated decay, it is expected to alter mRNA translation or result in a truncated protein product.

NC_000022.10:g.(?_29881692)_(29886692_?)del

Gene: NEFH (neurofilament heavy chain; plus strand). Cytogenetic location: 22q12.2.
Variant type: Deletion.
Identifiers: ClinVar variation 3248134 (VCV003248134.1).